The following is an entry in ClinVar:

NM_152594.3(SPRED1):c.518T>A (p.Ile173Lys)

Gene: SPRED1 (sprouty related EVH1 domain containing 1; plus strand). Cytogenetic location: 15q14.
Variant type: single nucleotide variant.
Coding change: c.518T>A on transcript NM_152594.3 (MANE Select); coding-DNA position 518, T replaced by A.
Protein change: p.Ile173Lys; replaces isoleucine 173 with lysine.
Molecular consequence: missense variant.
Genome position (GRCh38, 1-based): chr15:38,339,831, T>A. VCF-style: chr15-38339831-T-A. GRCh37 (hg19) VCF-style: chr15-38632032-T-A.
Other names: c.518T>A (NM_152594.2); short protein forms I173K.
Identifiers: ClinVar variation 4740013 (VCV004740013.2).

ClinVar aggregate classification (germline): Uncertain significance. Review status: criteria provided, multiple submitters, no conflicts (2 of 4 stars). 2 submissions from 2 submitters: Uncertain significance (2). Last evaluated 2026-08-18.

Conditions:
Legius syndrome. Identifiers: Orphanet 137605, MedGen C1969623, MONDO:0012669, OMIM 611431. Disease mechanism: loss of function.
Cardiovascular phenotype. Identifiers: MedGen CN230736.

Submissions (2):

Ambry Genetics
Classification: Uncertain significance for Cardiovascular phenotype. Last evaluated: 2026-08-18. Review status: criteria provided, single submitter. Criteria: Ambry Variant Classification Scheme 2023. Collection method: clinical testing. Allele origin: germline.
Comment: The p.I173K variant (also known as c.518T>A), located in coding exon 5 of the SPRED1 gene, results from a T to A substitution at nucleotide position 518. The isoleucine at codon 173 is replaced by lysine, an amino acid with dissimilar properties. This amino acid position is conserved. In addition, this alteration is predicted to be tolerated by in silico analysis. Based on the available evidence, the clinical significance of this variant remains unclear.

Labcorp Genetics (formerly Invitae), Labcorp
Classification: Uncertain significance for Legius syndrome. Last evaluated: 2025-06-01. Review status: criteria provided, single submitter. Criteria: Invitae Variant Classification Sherloc (09022015). Collection method: clinical testing. Allele origin: germline.
Comment: This sequence change replaces isoleucine, which is neutral and non-polar, with lysine, which is basic and polar, at codon 173 of the SPRED1 protein (p.Ile173Lys). This variant is not present in population databases (gnomAD no frequency). This variant has not been reported in the literature in individuals affected with SPRED1-related conditions. Invitae Evidence Modeling of protein sequence and biophysical properties (such as structural, functional, and spatial information, amino acid conservation, physicochemical variation, residue mobility, and thermodynamic stability) indicates that this missense variant is not expected to disrupt SPRED1 protein function with a negative predictive value of 80%. In summary, the available evidence is currently insufficient to determine the role of this variant in disease. Therefore, it has been classified as a Variant of Uncertain Significance.